The following is an entry in ClinVar:

NM_000179.3(MSH6):c.564T>C (p.Ile188=)

Gene: MSH6 (mutS homolog 6; plus strand). Cytogenetic location: 2p16.3.
Variant type: single nucleotide variant.
Coding change: c.564T>C on transcript NM_000179.3 (MANE Select); coding-DNA position 564, T replaced by C.
Protein change: p.Ile188=; no amino-acid change (isoleucine 188 retained).
Molecular consequence: synonymous variant. On other transcripts: 5 prime UTR variant (1), intron variant (2).
Genome position (GRCh38, 1-based): chr2:47,796,000, T>C. VCF-style: chr2-47796000-T-C. GRCh37 (hg19) VCF-style: chr2-48023139-T-C.
Other names: c.-339T>C (NM_001281494.2); c.-279-2611T>C (NM_001281493.2); c.238-2611T>C (NM_001281492.2).
Identifiers: ClinVar variation 630021 (VCV000630021.5), dbSNP rs1558656660, ClinGen allele CA425993012.
Genomic context (GRCh38, chr2:47,796,000, plus strand): 5'-AAAGCCTGAAATACTGAGAGCAATGCAACGTGCAGATGAAGCCTTAAATAAAGACAAGAT[T>C]AAGAGGCTTGAATTGGCAGTTTGTGATGAGCCCTCAGAGCCAGAAGAGGAAGAAGAGATG-3'
Protein context (NP_000170.1, residues 178-198): RADEALNKDK[Ile188=]KRLELAVCDE

ClinVar aggregate classification (germline): Benign/Likely benign. Review status: criteria provided, multiple submitters, no conflicts (2 of 4 stars). 3 submissions from 3 submitters: Benign (1); Likely benign (2). Last evaluated 2024-12-19.

Conditions:
Hereditary cancer-predisposing syndrome. Also called: Neoplastic Syndromes, Hereditary; Tumor predisposition; Hereditary neoplastic syndrome; Hereditary Cancer Syndrome. Identifiers: Orphanet 140162, MedGen C0027672, MeSH D009386, MONDO:0015356.
Lynch syndrome 5 (LYNCH5). Also called: Colorectal cancer, hereditary nonpolyposis, type 5; Hereditary non-polyposis colorectal cancer, type 5. Identifiers: Orphanet 144, MedGen C1833477, MONDO:0013710, OMIM 614350. Disease mechanism: loss of function.

Submissions (3):

Myriad Genetics, Inc.
Classification: Benign for Lynch syndrome 5. Last evaluated: 2024-12-19. Review status: criteria provided, single submitter. Criteria: Myriad Autosomal Dominant, Autosomal Recessive and X-Linked Classification Criteria (2023). Collection method: clinical testing. Allele origin: unknown.
Comment: This variant is considered benign. This variant is a silent/synonymous amino acid change and it is not expected to impact splicing.

Color Diagnostics, LLC DBA Color Health
Classification: Likely benign for Hereditary cancer-predisposing syndrome. Last evaluated: 2018-04-23. Review status: criteria provided, single submitter. Criteria: ACMG Guidelines, 2015. Collection method: clinical testing. Allele origin: germline.

Ambry Genetics
Classification: Likely benign for Hereditary cancer-predisposing syndrome. Last evaluated: 2018-02-07. Review status: criteria provided, single submitter. Criteria: Ambry Variant Classification Scheme 2023. Collection method: clinical testing. Allele origin: germline.